The following is an entry in ClinVar:

NM_001163678.2(SHOX2):c.766C>G (p.Leu256Val)

Gene: SHOX2 (SHOX homeobox 2; minus strand). Cytogenetic location: 3q25.32.
Variant type: single nucleotide variant.
Coding change: c.766C>G on transcript NM_001163678.2 (MANE Select); coding-DNA position 766, C replaced by G.
Protein change: p.Leu256Val; replaces leucine 256 with valine.
Molecular consequence: missense variant.
Genome position (GRCh38, 1-based): chr3:158,098,221, G>C on the plus strand (C>G on the coding strand, the complement: SHOX2 is on the minus strand). VCF-style: chr3-158098221-G-C. GRCh37 (hg19) VCF-style: chr3-157816010-G-C.
Other names: c.874C>G, p.Leu292Val (NM_003030.4); c.802C>G, p.Leu268Val (NM_006884.3); short protein forms L292V, L256V, L268V.
Identifiers: ClinVar variation 2537474 (VCV002537474.3), dbSNP rs200140594, ClinGen allele CA2681187.

ClinVar aggregate classification (germline): Uncertain significance. Review status: criteria provided, multiple submitters, no conflicts (2 of 4 stars). 2 submissions from 2 submitters: Uncertain significance (2). Last evaluated 2023-04-18.

Allele frequency attached by ClinVar (database versions not stated): TOPMed 0.00001; 1000 Genomes Project 0.00020; 1000 Genomes Project 30x 0.00016; gnomAD 0.00003.
gnomAD v4.1: 22 of 1,613,958 alleles (0.0014%); highest among the groups gnomAD compares: East Asian, 0.045%; no homozygotes.

Submissions (2):

Ambry Genetics
Classification: Uncertain significance. Last evaluated: 2023-04-18. Review status: criteria provided, single submitter. Criteria: Ambry Variant Classification Scheme 2023. Collection method: clinical testing. Allele origin: germline.

Clinical Genomics Laboratory, Stanford Medicine
Classification: Uncertain significance. Last evaluated: 2022-06-06. Review status: criteria provided, single submitter. Criteria: ACMG Guidelines, 2015. Collection method: clinical testing. Allele origin: germline. Observed: 1 variant allele, 1 heterozygote.
Comment: The p.Leu292Val variant in the SHOX2 gene has not been previously reported in association with disease. This variant has been identified in 8/19,858 East Asian chromosomes (9/279,892 chromosomes overall) by the Genome Aggregation Database. The leucine at position 292 is evolutionarily conserved. Computational tools predict that the p.Leu292Val variant is deleterious; however, the accuracy of in silico algorithms is limited. These data were assessed using the ACMG/AMP variant interpretation guidelines. In summary, the significance of the p.Leu292Val variant is uncertain. Additional information is needed to resolve the significance of this variant. [ACMG evidence codes used: PP3]